The following is an entry in ClinVar:

ClinVar aggregate classification (germline): Uncertain significance (1 of 4 stars; one submission).

Allele frequency attached by ClinVar (database versions not stated): ExAC 0.00001.
gnomAD v4.1: 3 of 1,614,242 alleles (0.00019%); highest among the groups gnomAD compares: Non-Finnish European, 0.00025%; no homozygotes.

Submission:

Ambry Genetics
Classification: Uncertain significance. Last evaluated: 2024-07-23. Review status: criteria provided, single submitter. Criteria: Ambry Variant Classification Scheme 2023. Collection method: clinical testing. Allele origin: germline.
Comment: The p.D357V variant (also known as c.1070A>T), located in coding exon 3 of the TERF2IP gene, results from an A to T substitution at nucleotide position 1070. The aspartic acid at codon 357 is replaced by valine, an amino acid with highly dissimilar properties. This amino acid position is conserved. In addition, the in silico prediction for this alteration is inconclusive. Since supporting evidence is limited at this time, the clinical significance of this alteration remains unclear.

NM_018975.4(TERF2IP):c.1070A>T (p.Asp357Val)

Gene: TERF2IP (TERF2 interacting protein; plus strand). Cytogenetic location: 16q23.1.
Variant type: single nucleotide variant.
Coding change: c.1070A>T on transcript NM_018975.4 (MANE Select); coding-DNA position 1070, A replaced by T.
Protein change: p.Asp357Val; replaces aspartic acid 357 with valine.
Molecular consequence: missense variant. On other transcripts: non-coding transcript variant (1).
Genome position (GRCh38, 1-based): chr16:75,656,481, A>T. VCF-style: chr16-75656481-A-T. GRCh37 (hg19) VCF-style: chr16-75690379-A-T.
Other names: short protein forms D357V.
Identifiers: ClinVar variation 1783235 (VCV001783235.3), dbSNP rs765960064, ClinGen allele CA8178159.